The following is an entry in ClinVar:

NC_000016.9:g.(?_1633295)_(1637325_?)del

Gene: IFT140 (intraflagellar transport 140; minus strand). Cytogenetic location: 16p13.3.
Variant type: Deletion.
Identifiers: ClinVar variation 1458870 (VCV001458870.5).

ClinVar aggregate classification (germline): Pathogenic (1 of 4 stars; one submission).

Conditions:
Saldino-Mainzer syndrome (SRTD9). Also called: Renal dysplasia, retinal pigmentary dystrophy, cerebellar ataxia and skeletal dysplasia; CONORENAL SYNDROME; SHORT-RIB THORACIC DYSPLASIA 9 WITHOUT POLYDACTYLY; short-rib thoracic dysplasia 9 with or without polydactyly. Identifiers: Orphanet 140969, MedGen C1849437, MONDO:0009964, OMIM 266920.

Submission:

Labcorp Genetics (formerly Invitae), Labcorp
Classification: Pathogenic for Saldino-Mainzer syndrome. Last evaluated: 2022-01-19. Review status: criteria provided, single submitter. Criteria: Invitae Variant Classification Sherloc (09022015). Collection method: clinical testing. Allele origin: germline.
Comment: This variant is a gross deletion of the genomic region encompassing exon(s) 9-12 of the IFT140 gene. This deletion is out-of-frame, and is expected to create a premature termination codon and result in an absent or disrupted protein product. Loss-of-function variants in IFT140 are known to be pathogenic (PMID: 22503633, 23418020, 24009529, 26216056). For these reasons, this variant has been classified as Pathogenic. This variant has not been reported in the literature in individuals affected with IFT140-related conditions.

Literature cited by the submitters: PubMed 22503633; PubMed 23418020; PubMed 24009529; PubMed 26216056.